The following is an entry in ClinVar:

NM_001491.3(GCNT2):c.572A>G (p.Gln191Arg)

Gene: GCNT2 (glucosaminyl (N-acetyl) transferase 2 (I blood group); plus strand). Cytogenetic location: 6p24.3.
Variant type: single nucleotide variant.
Coding change: c.572A>G on transcript NM_001491.3 (MANE Plus Clinical); coding-DNA position 572, A replaced by G.
Protein change: p.Gln191Arg; replaces glutamine 191 with arginine.
Molecular consequence: missense variant. On other transcripts: intron variant (2).
Genome position (GRCh38, 1-based): chr6:10,556,995, A>G. VCF-style: chr6-10556995-A-G. GRCh37 (hg19) VCF-style: chr6-10557228-A-G.
Other names: c.925+27159A>G (NM_145649.5, NM_001374747.1); short protein forms Q191R.
Identifiers: ClinVar variation 2054627 (VCV002054627.4), dbSNP rs757132008, ClinGen allele CA362715491.

ClinVar aggregate classification (germline): Uncertain significance (1 of 4 stars; one submission).

Conditions:
Cataract 13 with adult I phenotype. Identifiers: Orphanet 91492, MedGen C3805373, MONDO:0007289, OMIM 116700.

Allele frequency attached by ClinVar (database versions not stated): gnomAD 0.00001; TOPMed 0.00001.
gnomAD v4.1: 12 of 1,613,600 alleles (0.00074%); highest among the groups gnomAD compares: Admixed American, 0.0017%; no homozygotes.

Submission:

Labcorp Genetics (formerly Invitae), Labcorp
Classification: Uncertain significance for Cataract 13 with adult I phenotype. Last evaluated: 2024-02-23. Review status: criteria provided, single submitter. Criteria: Invitae Variant Classification Sherloc (09022015). Collection method: clinical testing. Allele origin: germline.
Comment: This sequence change replaces glutamine, which is neutral and polar, with arginine, which is basic and polar, at codon 191 of the GCNT2 protein (p.Gln191Arg). This variant is present in population databases (no rsID available, gnomAD 0.003%). This variant has not been reported in the literature in individuals affected with GCNT2-related conditions. ClinVar contains an entry for this variant (Variation ID: 2054627). Advanced modeling of protein sequence and biophysical properties (such as structural, functional, and spatial information, amino acid conservation, physicochemical variation, residue mobility, and thermodynamic stability) performed at Invitae indicates that this missense variant is expected to disrupt GCNT2 protein function with a positive predictive value of 80%. In summary, the available evidence is currently insufficient to determine the role of this variant in disease. Therefore, it has been classified as a Variant of Uncertain Significance.